The following is an entry in ClinVar:

ClinVar aggregate classification (germline): Uncertain significance. Review status: criteria provided, multiple submitters, no conflicts (2 of 4 stars). 4 submissions from 4 submitters: Uncertain significance (4). Last evaluated 2022-06-04.

Conditions:
Fanconi anemia complementation group P. Also called: SLX4-Related Fanconi Anemia. Identifiers: Orphanet 84, MedGen C3469542, MONDO:0013499, OMIM 613951.
Fanconi anemia (FA). Also called: Fanconi's anemia. Identifiers: Orphanet 84, MedGen C0015625, MeSH D005199, MONDO:0019391.

Allele frequency attached by ClinVar (database versions not stated): gnomAD exomes 0.00002 and 0.00005; gnomAD 0.00003; TOPMed 0.00003; ExAC 0.00009; ESP Exome Variant Server 0.00016.
gnomAD v4.1: 69 of 1,572,286 alleles (0.0044%); highest among the groups gnomAD compares: Non-Finnish European, 0.0058%; no homozygotes.

Submissions (4):

Labcorp Genetics (formerly Invitae), Labcorp
Classification: Uncertain significance for Fanconi anemia. Last evaluated: 2022-06-04. Review status: criteria provided, single submitter. Criteria: Invitae Variant Classification Sherloc (09022015). Collection method: clinical testing. Allele origin: germline.
Comment: This sequence change replaces glycine, which is neutral and non-polar, with serine, which is neutral and polar, at codon 596 of the SLX4 protein (p.Gly596Ser). This variant is present in population databases (rs144454312, gnomAD 0.006%). This variant has not been reported in the literature in individuals affected with SLX4-related conditions. ClinVar contains an entry for this variant (Variation ID: 571380). Algorithms developed to predict the effect of missense changes on protein structure and function output the following: SIFT: "Tolerated"; PolyPhen-2: "Benign"; Align-GVGD: "Class C0". The serine amino acid residue is found in multiple mammalian species, which suggests that this missense change does not adversely affect protein function. In summary, the available evidence is currently insufficient to determine the role of this variant in disease. Therefore, it has been classified as a Variant of Uncertain Significance.

Fulgent Genetics
Classification: Uncertain significance for Fanconi anemia complementation group P. Last evaluated: 2022-04-12. Review status: criteria provided, single submitter. Criteria: ACMG Guidelines, 2015. Collection method: clinical testing. Allele origin: unknown.

Blueprint Genetics
Classification: Uncertain significance. Last evaluated: 2020-07-29. Review status: criteria provided, single submitter. Criteria: ACMG Guidelines, 2015. Collection method: clinical testing. Allele origin: germline.

Illumina Laboratory Services, Illumina
Classification: Uncertain significance for Fanconi anemia complementation group P. Last evaluated: 2018-01-13. Review status: criteria provided, single submitter. Criteria: ICSL Variant Classification Criteria 13 December 2019. Collection method: clinical testing. Allele origin: germline.

NM_032444.4(SLX4):c.1786G>A (p.Gly596Ser)

Gene: SLX4 (SLX4 structure-specific endonuclease subunit; minus strand). Cytogenetic location: 16p13.3.
Variant type: single nucleotide variant.
Coding change: c.1786G>A on transcript NM_032444.4 (MANE Select); coding-DNA position 1786, G replaced by A.
Protein change: p.Gly596Ser; replaces glycine 596 with serine.
Molecular consequence: missense variant.
Genome position (GRCh38, 1-based): chr16:3,596,291, C>T on the plus strand (G>A on the coding strand, the complement: SLX4 is on the minus strand). VCF-style: chr16-3596291-C-T. GRCh37 (hg19) VCF-style: chr16-3646292-C-T.
Other names: c.1786G>A (LRG_503t1); short protein forms G596S.
Identifiers: ClinVar variation 571380 (VCV000571380.13), dbSNP rs144454312, ClinGen allele CA7866410.